The following is an entry in ClinVar:

NM_002430.3(MN1):c.555C>A (p.Ala185=)

Gene: MN1 (MN1 proto-oncogene, transcriptional regulator; minus strand). Cytogenetic location: 22q12.1.
Variant type: single nucleotide variant.
Coding change: c.555C>A on transcript NM_002430.3 (MANE Select); coding-DNA position 555, C replaced by A.
Protein change: p.Ala185=; no amino-acid change (alanine 185 retained).
Molecular consequence: synonymous variant.
Genome position (GRCh38, 1-based): chr22:27,799,989, G>T on the plus strand (C>A on the coding strand, the complement: MN1 is on the minus strand). VCF-style: chr22-27799989-G-T. GRCh37 (hg19) VCF-style: chr22-28195977-G-T.
Identifiers: ClinVar variation 4821022 (VCV004821022.5).
Genomic context (GRCh38, chr22:27,799,989, plus strand): 5'-GCCGTGGAAGGAGGCGGCTCGGTTAGGGCTCTGGTCCAGCGGCAGGCATGGGGCCGGCAC[G>T]GCGTGGCTGGAGGCACCTGAACTGTGGAAGTCCGGGAGGTTCCCCGGTCGCTGCGGGCCG-3'
Protein context (NP_002421.3, residues 175-195): DFHSSGASSH[Ala185=]VPAPCLPLDQ

ClinVar aggregate classification (germline): Likely benign. Review status: criteria provided, multiple submitters, no conflicts (2 of 4 stars). 2 submissions from 2 submitters: Likely benign (2). Last evaluated 2026-09-01.

gnomAD v4.1: 915 of 1,603,860 alleles (0.057%); highest among the groups gnomAD compares: African/African-American, 1.1%; 4 homozygotes.

Submissions (2):

CeGaT Center for Human Genetics Tuebingen
Classification: Likely benign. Last evaluated: 2026-09-01. Review status: criteria provided, single submitter. Criteria: CeGaT Center For Human Genetics Tuebingen Variant Classification Criteria Version 2. Collection method: clinical testing. Allele origin: germline. Affected: yes. Observed: 2 variant alleles.
Comment: MN1: BP4, BP7, BS1

Blueprint Genetics
Classification: Likely benign. Last evaluated: 2024-11-12. Review status: criteria provided, single submitter. Criteria: ACMG Guidelines, 2015. Collection method: clinical testing. Allele origin: germline.